The following is an entry in ClinVar:

NM_174936.4(PCSK9):c.1660C>A (p.Gln554Lys)

Gene: PCSK9 (proprotein convertase subtilisin/kexin type 9; plus strand). Cytogenetic location: 1p32.3.
Variant type: single nucleotide variant.
Coding change: c.1660C>A on transcript NM_174936.4 (MANE Select); coding-DNA position 1660, C replaced by A.
Protein change: p.Gln554Lys; replaces glutamine 554 with lysine.
Molecular consequence: missense variant. On other transcripts: non-coding transcript variant (7), intron variant (1).
Genome position (GRCh38, 1-based): chr1:55,059,642, C>A. VCF-style: chr1-55059642-C-A. GRCh37 (hg19) VCF-style: chr1-55525315-C-A.
Other names: c.1783C>A, p.Gln595Lys (NM_001407240.1); c.1702C>A, p.Gln568Lys (NM_001407241.1); c.1663C>A, p.Gln555Lys (NM_001407242.1); c.1603C>A, p.Gln535Lys (NM_001407243.1); c.1486C>A, p.Gln496Lys (NM_001407244.1); c.1468C>A, p.Gln490Lys (NM_001407245.1); c.1285C>A, p.Gln429Lys (NM_001407246.1); c.1181-1733C>A (NM_001407247.1); short protein forms Q429K, Q490K, Q496K, Q535K, Q554K, Q555K, Q568K, Q595K.
Identifiers: ClinVar variation 3071248 (VCV003071248.2), dbSNP rs149311926, ClinGen allele CA22765647.

ClinVar aggregate classification (germline): Conflicting classifications of pathogenicity. Review status: criteria provided, conflicting classifications (1 of 4 stars). 2 submissions from 2 submitters: Uncertain significance (1); Likely benign (1). Last evaluated 2025-06-10.

Conditions:
Familial hypercholesterolemia. Also called: Familial hypercholesterolemias; Familial hypercholesterolaemia. Identifiers: MedGen C0020445, MONDO:0005439.
Hypercholesterolemia, autosomal dominant, 3 (FHCL3). Also called: Familial Hypercholesterolemia, Autosomal Dominant, 3; PCSK9-Related Familial Hypercholesterolemia, Autosomal Dominant; Familial hypercholesterolemia 3. Identifiers: MedGen C1863551, MONDO:0011369, OMIM 603776.

gnomAD v4.1: 6 of 1,551,092 alleles (0.00039%); highest among the groups gnomAD compares: African/African-American, 0.0014%; no homozygotes.

Submissions (2):

Color Diagnostics, LLC DBA Color Health
Classification: Likely benign for Familial hypercholesterolemia. Last evaluated: 2025-06-10. Review status: criteria provided, single submitter. Criteria: ACMG Guidelines, 2015. Collection method: clinical testing. Allele origin: germline.

All of Us Research Program, National Institutes of Health
Classification: Uncertain significance for Hypercholesterolemia, autosomal dominant, 3. Last evaluated: 2023-08-15. Review status: criteria provided, single submitter. Criteria: ACMG Guidelines, 2015. Collection method: clinical testing. Allele origin: germline. Inheritance: Autosomal dominant inheritance. Observed: 2 variant alleles, 2 heterozygotes.
Comment: This missense variant replaces glutamine with lysine at codon 554 of the PCSK9 protein. Computational prediction suggests that this variant may not impact protein structure and function (internally defined REVEL score threshold <= 0.5, PMID: 27666373). To our knowledge, functional studies have not been reported for this variant. This variant has not been reported in individuals affected with PCSK9-related disorders in the literature. This variant has been identified in 1/156836 chromosomes in the general population by the Genome Aggregation Database (gnomAD). The available evidence is insufficient to determine the role of this variant in disease conclusively. Therefore, this variant is classified as a Variant of Uncertain Significance.

This study involves interpretation of variants in research participants for the purpose of population health screening. Participant phenotype was not available at the time of variant classification. Additional details can be found in publication PMID: 35346344, PMCID: PMC8962531